The following is an entry in ClinVar:

ClinVar aggregate classification (germline): Likely benign. Review status: criteria provided, multiple submitters, no conflicts (2 of 4 stars). 2 submissions from 2 submitters: Likely benign (2). Last evaluated 2025-12-01.

Conditions:
RYR1-related disorder. Also called: RYR1-related condition; RYR1-related disorders. Identifiers: MedGen CN239331.

Allele frequency attached by ClinVar (database versions not stated): gnomAD exomes below 0.00001; ExAC 0.00003.
gnomAD v4.1: 2 of 1,579,312 alleles (0.00013%); highest among the groups gnomAD compares: Non-Finnish European, 0.00017%; no homozygotes.

Submissions (2):

CeGaT Center for Human Genetics Tuebingen
Classification: Likely benign. Last evaluated: 2025-12-01. Review status: criteria provided, single submitter. Criteria: CeGaT Center For Human Genetics Tuebingen Variant Classification Criteria Version 2. Collection method: clinical testing. Allele origin: germline. Affected: yes. Observed: 1 variant allele.
Comment: RYR1: BP4, BP7

Labcorp Genetics (formerly Invitae), Labcorp
Classification: Likely benign for RYR1-related disorder. Last evaluated: 2022-12-14. Review status: criteria provided, single submitter. Criteria: Invitae Variant Classification Sherloc (09022015). Collection method: clinical testing. Allele origin: germline.

NM_000540.3(RYR1):c.12708C>T (p.Phe4236=)

Gene: RYR1 (ryanodine receptor 1; plus strand). Cytogenetic location: 19q13.2.
Variant type: single nucleotide variant.
Coding change: c.12708C>T on transcript NM_000540.3 (MANE Select); coding-DNA position 12708, C replaced by T.
Protein change: p.Phe4236=; no amino-acid change (phenylalanine 4236 retained).
Molecular consequence: synonymous variant.
Genome position (GRCh38, 1-based): chr19:38,565,042, C>T. VCF-style: chr19-38565042-C-T. GRCh37 (hg19) VCF-style: chr19-39055682-C-T.
Other names: c.12693C>T, p.Phe4231= (NM_001042723.2).
Identifiers: ClinVar variation 3022208 (VCV003022208.8), dbSNP rs750829662, ClinGen allele CA059346.